The following is an entry in ClinVar:

NM_001384950.1(NLRC5):c.2871-27A>C

Gene: NLRC5 (NLR family CARD domain containing 5; plus strand). Cytogenetic location: 16q13.
Variant type: single nucleotide variant.
Coding change: c.2871-27A>C on transcript NM_001384950.1 (MANE Select); 27 bases into the intron before coding-DNA position 2871, A replaced by C.
Molecular consequence: intron variant.
Genome position (GRCh38, 1-based): chr16:57,040,623, A>C. VCF-style: chr16-57040623-A-C. GRCh37 (hg19) VCF-style: chr16-57074535-A-C.
Other names: c.2871-27A>C (NM_001384954.1, NM_001384953.1, NM_001384957.1 and 19 more transcripts); c.2787-27A>C (NM_001384960.1, NM_001384965.1); c.2699+774A>C (NM_001384972.1).
Identifiers: ClinVar variation 103168 (VCV000103168.2), dbSNP rs199475987, ClinGen allele CA230213.

ClinVar aggregate classification (germline): not provided (0 of 4 stars; one submission).

Allele frequency attached by ClinVar (database versions not stated): gnomAD 0.00001.
gnomAD v4.1: 1 of 1,612,136 alleles (0.000062%); highest among the groups gnomAD compares: African/African-American, 0.0013%; no homozygotes.

Submission:

Human Evolutionary Genetics, Institut Pasteur
No classification provided. Review status: no classification provided. Collection method: not provided. Allele origin: germline.
ClinVar note: Converted during submission from untested to not provided.